The following is an entry in ClinVar:

ClinVar aggregate classification (germline): Likely pathogenic (1 of 4 stars; one submission).

Submission:

Dasa
Classification: Likely pathogenic. Last evaluated: 2025-06-22. Review status: criteria provided, single submitter. Criteria: DASA Assertion Criteria. Collection method: clinical testing. Allele origin: germline.
Comment: NM_015450.3(POT1):c.617del (p.Asp206Valfs*2) is a frameshift variant in POT1 predicted to alter the reading frame and introduce a premature termination codon and is predicted to result in an absent or altered protein product. Loss of function is an established disease mechanism for POT1-associated disorders. Also, this variant is absent from population databases. Based on the currently available evidence, this variant is classified as likely pathogenic.

NM_015450.3(POT1):c.617del (p.Asp206fs)

Gene: POT1 (protection of telomeres 1; minus strand). Cytogenetic location: 7q31.33.
Variant type: Deletion.
Coding change: c.617del on transcript NM_015450.3 (MANE Select); coding-DNA position 617, one base deleted (A; older notation c.617delA).
Protein change: p.Asp206fs; shifts the reading frame from aspartic acid 206.
Molecular consequence: frameshift variant. On other transcripts: non-coding transcript variant (3).
Genome position (GRCh38, 1-based): chr7:124,859,042, T deleted on the plus strand (A on the coding strand, the reverse complement: POT1 is on the minus strand). VCF-style (leftmost placement, unchanged base first): chr7-124859041-AT-A. GRCh37 (hg19) VCF-style: chr7-124499095-AT-A.
Other names: c.224del, p.Asp75fs (NM_001042594.2); short protein forms D206fs, D75fs.
Identifiers: ClinVar variation 4886438 (VCV004886438.2).
Genomic context (GRCh38, chr7:124,859,041, plus strand): 5'-ATGGTTATCGTAGACTAAAATGTCTATTGTCAGATTTTGTAGCCGATGGATGTGACTTAA[AT>A]CACCTTCAAGAACAAGGTCTTGTATTAAGACTCTCCAAGATGGAAATGGTGTCCTGGTGC-3'